The following is an entry in ClinVar:

ClinVar aggregate classification (germline): Uncertain significance (1 of 4 stars; one submission).

Conditions:
Hereditary cancer-predisposing syndrome. Also called: Neoplastic Syndromes, Hereditary; Tumor predisposition; Hereditary neoplastic syndrome; Hereditary Cancer Syndrome. Identifiers: Orphanet 140162, MedGen C0027672, MeSH D009386, MONDO:0015356.

Submission:

Ambry Genetics
Classification: Uncertain significance for Hereditary cancer-predisposing syndrome. Last evaluated: 2025-06-14. Review status: criteria provided, single submitter. Criteria: Ambry Variant Classification Scheme 2023. Collection method: clinical testing. Allele origin: germline.
Comment: The p.E132D variant (also known as c.396G>C), located in coding exon 4 of the MITF gene, results from a G to C substitution at nucleotide position 396. The glutamic acid at codon 132 is replaced by aspartic acid, an amino acid with highly similar properties. This amino acid position is conserved. In addition, this alteration is predicted to be tolerated by in silico analysis. Based on the available evidence, the clinical significance of this variant remains unclear.

NM_001354604.2(MITF):c.717G>C (p.Glu239Asp)

Gene: MITF (melanocyte inducing transcription factor; plus strand). Cytogenetic location: 3p13.
Variant type: single nucleotide variant.
Coding change: c.717G>C on transcript NM_001354604.2 (MANE Select); coding-DNA position 717, G replaced by C.
Protein change: p.Glu239Asp; replaces glutamic acid 239 with aspartic acid.
Molecular consequence: missense variant.
Genome position (GRCh38, 1-based): chr3:69,941,286, G>C. VCF-style: chr3-69941286-G-C. GRCh37 (hg19) VCF-style: chr3-69990437-G-C.
Other names: c.396G>C, p.Glu132Asp (NM_000248.4, NM_198158.3); c.561G>C, p.Glu187Asp (NM_001184967.2, NM_001354608.2); c.714G>C, p.Glu238Asp (NM_001354605.2, NM_001354606.2, NM_006722.3); c.666G>C, p.Glu222Asp (NM_001354607.2); c.717G>C, p.Glu239Asp (NM_198159.3); c.669G>C, p.Glu223Asp (NM_198177.3); c.228G>C, p.Glu76Asp (NM_198178.3); short protein forms E132D, E187D, E76D, E222D, E238D, E223D, E239D.
Identifiers: ClinVar variation 4055229 (VCV004055229.1).